The following is an entry in ClinVar:

NM_001042424.3(NSD2):c.4027C>T (p.Pro1343Ser)

Gene: NSD2 (nuclear receptor binding SET domain protein 2; plus strand). Cytogenetic location: 4p16.3.
Variant type: single nucleotide variant.
Coding change: c.4027C>T on transcript NM_001042424.3 (MANE Select); coding-DNA position 4027, C replaced by T.
Protein change: p.Pro1343Ser; replaces proline 1343 with serine.
Molecular consequence: missense variant.
Genome position (GRCh38, 1-based): chr4:1,978,838, C>T. VCF-style: chr4-1978838-C-T. GRCh37 (hg19) VCF-style: chr4-1980565-C-T.
Other names: c.4027C>T, p.Pro1343Ser (NM_133330.3, NM_133331.3, NM_133335.4); short protein forms P1343S.
Identifiers: ClinVar variation 2532869 (VCV002532869.5), dbSNP rs142054662, ClinGen allele CA91300049.

ClinVar aggregate classification (germline): Uncertain significance. Review status: criteria provided, multiple submitters, no conflicts (2 of 4 stars). 2 submissions from 2 submitters: Uncertain significance (2). Last evaluated 2023-04-04.

Conditions:
Inborn genetic diseases. Identifiers: MedGen C0950123, MeSH D030342.

gnomAD v4.1: 8 of 1,603,636 alleles (0.0005%); highest among the groups gnomAD compares: Non-Finnish European, 0.00068%; no homozygotes.

Submissions (2):

Ambry Genetics
Classification: Uncertain significance for Inborn genetic diseases. Last evaluated: 2023-04-04. Review status: criteria provided, single submitter. Criteria: Ambry Variant Classification Scheme 2023. Collection method: clinical testing. Allele origin: germline.

Labcorp Genetics (formerly Invitae), Labcorp
Classification: Uncertain significance. Last evaluated: 2023-01-04. Review status: criteria provided, single submitter. Criteria: Invitae Variant Classification Sherloc (09022015). Collection method: clinical testing. Allele origin: germline.
Comment: This sequence change replaces proline, which is neutral and non-polar, with serine, which is neutral and polar, at codon 1343 of the WHSC1 protein (p.Pro1343Ser). This variant is not present in population databases (gnomAD no frequency). This variant has not been reported in the literature in individuals affected with WHSC1-related conditions. Algorithms developed to predict the effect of missense changes on protein structure and function are either unavailable or do not agree on the potential impact of this missense change (SIFT: "Deleterious"; PolyPhen-2: "Not Available"; Align-GVGD: "Class C0"). In summary, the available evidence is currently insufficient to determine the role of this variant in disease. Therefore, it has been classified as a Variant of Uncertain Significance.